The following is an entry in ClinVar:

NM_201384.3(PLEC):c.4709C>T (p.Ala1570Val)

Gene: PLEC (plectin; minus strand). Cytogenetic location: 8q24.3.
Variant type: single nucleotide variant.
Coding change: c.4709C>T on transcript NM_201384.3 (MANE Select); coding-DNA position 4709, C replaced by T.
Protein change: p.Ala1570Val; replaces alanine 1570 with valine.
Molecular consequence: missense variant.
Genome position (GRCh38, 1-based): chr8:143,925,220, G>A on the plus strand (C>T on the coding strand, the complement: PLEC is on the minus strand). VCF-style: chr8-143925220-G-A. GRCh37 (hg19) VCF-style: chr8-144999388-G-A.
Other names: c.4790C>T, p.Ala1597Val (NM_000445.5); c.4667C>T, p.Ala1556Val (NM_201378.4); c.4643C>T, p.Ala1548Val (NM_201379.3); c.5120C>T, p.Ala1707Val (NM_201380.4); c.4613C>T, p.Ala1538Val (NM_201381.3); c.4709C>T, p.Ala1570Val (NM_201382.4); c.4721C>T, p.Ala1574Val (NM_201383.3); short protein forms A1538V, A1548V, A1556V, A1570V, A1574V, A1597V, A1707V.
Identifiers: ClinVar variation 500392 (VCV000500392.21), dbSNP rs782096342, ClinGen allele CA4926561.
Genomic context (GRCh38, chr8:143,925,220, plus strand): 5'-GCCGTCTTCTCGGCGAAGGAGGCGCGTTTGCTCTGCAGCTCCGCCTCTGCACTGCGCTGC[G>A]CCGTCTCCAGGGCCACCTGTACCTGCCGCGCTCGCTCCACCTCGGCCTGCCGCAGGCGCC-3'
Protein context (NP_958786.1, residues 1560-1580): ARQVQVALET[Ala1570Val]QRSAEAELQS

ClinVar aggregate classification (germline): Uncertain significance. Review status: criteria provided, multiple submitters, no conflicts (2 of 4 stars). 4 submissions from 4 submitters: Uncertain significance (4). Last evaluated 2025-07-23.

Conditions:
Epidermolysis bullosa simplex 5B, with muscular dystrophy (EBS5B). Also called: EPIDERMOLYSIS BULLOSA SIMPLEX AND LIMB-GIRDLE MUSCULAR DYSTROPHY; Epidermolysis bullosa simplex with muscular dystrophy. Identifiers: Orphanet 257, MedGen C2931072, MONDO:0009181, OMIM 226670.
Autosomal recessive limb-girdle muscular dystrophy type 2Q (LGMDR17). Also called: MUSCULAR DYSTROPHY, LIMB-GIRDLE, AUTOSOMAL RECESSIVE 17. Identifiers: Orphanet 254361, MedGen C3150989, MONDO:0013390, OMIM 613723.
Epidermolysis bullosa simplex, Ogna type (EBS5A). Also called: Pidermolysis bullosa simplex 5A, Ogna type; EPIDERMOLYSIS BULLOSA SIMPLEX 5A, OGNA TYPE. Identifiers: Orphanet 79401, MedGen C0432317, MONDO:0007555, OMIM 131950.
Epidermolysis bullosa simplex with nail dystrophy (EBS5D). Identifiers: MedGen C4225309, MONDO:0014661, OMIM 616487.
Epidermolysis bullosa simplex 5C, with pyloric atresia (EBS5C). Also called: PLEC-Related Epidermolysis Bullosa with Pyloric Atresia; Epidermolysis bullosa simplex with pyloric atresia; PLEC1-Related Epidermolysis Bullosa with Pyloric Atresia. Identifiers: Orphanet 158684, MedGen C2677349, MONDO:0012807, OMIM 612138.

Allele frequency attached by ClinVar (database versions not stated): TOPMed 0.00013; gnomAD 0.00014 and 0.00013; gnomAD exomes 0.00002 and 0.00003; ExAC 0.00005.
gnomAD v4.1: 68 of 1,587,410 alleles (0.0043%); highest among the groups gnomAD compares: African/African-American, 0.026%; 1 homozygote.

Submissions (4):

Labcorp Genetics (formerly Invitae), Labcorp
Classification: Uncertain significance for Autosomal recessive limb-girdle muscular dystrophy type 2Q; Epidermolysis bullosa simplex, Ogna type; Epidermolysis bullosa simplex with nail dystrophy; Epidermolysis bullosa simplex 5C, with pyloric atresia; Epidermolysis bullosa simplex 5B, with muscular dystrophy. Last evaluated: 2025-07-23. Review status: criteria provided, single submitter. Criteria: Invitae Variant Classification Sherloc (09022015). Collection method: clinical testing. Allele origin: germline.
Comment: This sequence change replaces alanine, which is neutral and non-polar, with valine, which is neutral and non-polar, at codon 1597 of the PLEC protein (p.Ala1597Val). The frequency data for this variant in the population databases is considered unreliable, as metrics indicate poor data quality at this position in the gnomAD database. This variant has not been reported in the literature in individuals affected with PLEC-related conditions. ClinVar contains an entry for this variant (Variation ID: 500392). Experimental studies and prediction algorithms are not available or were not evaluated, and the functional significance of this variant is currently unknown. In summary, the available evidence is currently insufficient to determine the role of this variant in disease. Therefore, it has been classified as a Variant of Uncertain Significance.

Blueprint Genetics
Classification: Uncertain significance. Last evaluated: 2024-10-14. Review status: criteria provided, single submitter. Criteria: ACMG Guidelines, 2015. Collection method: clinical testing. Allele origin: germline.

Revvity Omics, Revvity
Classification: Uncertain significance. Last evaluated: 2019-11-26. Review status: criteria provided, single submitter. Criteria: ACMG Guidelines, 2015. Collection method: clinical testing. Allele origin: germline.

Eurofins Ntd Llc (ga)
Classification: Uncertain significance. Last evaluated: 2018-08-28. Review status: criteria provided, single submitter. Criteria: EGL ClinVar v180209 classification definitions. Collection method: clinical testing. Allele origin: germline. Observed: 2 variant alleles, 2 heterozygotes.